The following is an entry in ClinVar:

ClinVar aggregate classification (germline): Uncertain significance (1 of 4 stars; one submission).

gnomAD v4.1: 8 of 1,603,604 alleles (0.0005%); highest among the groups gnomAD compares: Non-Finnish European, 0.00068%; no homozygotes.

Submission:

Labcorp Genetics (formerly Invitae), Labcorp
Classification: Uncertain significance. Last evaluated: 2025-07-27. Review status: criteria provided, single submitter. Criteria: Invitae Variant Classification Sherloc (09022015). Collection method: clinical testing. Allele origin: germline.
Comment: This sequence change replaces serine, which is neutral and polar, with phenylalanine, which is neutral and non-polar, at codon 763 of the RASA2 protein (p.Ser763Phe). This variant is present in population databases (no rsID available, gnomAD 0.007%). This variant has not been reported in the literature in individuals affected with RASA2-related conditions. Invitae Evidence Modeling of protein sequence and biophysical properties (such as structural, functional, and spatial information, amino acid conservation, physicochemical variation, residue mobility, and thermodynamic stability) indicates that this missense variant is expected to disrupt RASA2 protein function with a positive predictive value of 80%. In summary, the available evidence is currently insufficient to determine the role of this variant in disease. Therefore, it has been classified as a Variant of Uncertain Significance.

NM_006506.5(RASA2):c.2288C>T (p.Ser763Phe)

Gene: RASA2 (RAS p21 protein activator 2; plus strand). Cytogenetic location: 3q23.
Variant type: single nucleotide variant.
Coding change: c.2288C>T on transcript NM_006506.5 (MANE Select); coding-DNA position 2288, C replaced by T.
Protein change: p.Ser763Phe; replaces serine 763 with phenylalanine.
Molecular consequence: missense variant.
Genome position (GRCh38, 1-based): chr3:141,609,482, C>T. VCF-style: chr3-141609482-C-T. GRCh37 (hg19) VCF-style: chr3-141328324-C-T.
Other names: c.2291C>T, p.Ser764Phe (NM_001303245.3); c.2300C>T, p.Ser767Phe (NM_001303246.3); short protein forms S764F, S767F, S763F.
Identifiers: ClinVar variation 4740967 (VCV004740967.1).